The following is an entry in ClinVar:

ClinVar aggregate classification (germline): Conflicting classifications of pathogenicity. Review status: criteria provided, conflicting classifications (1 of 4 stars). 5 submissions from 5 submitters: Uncertain significance (1); Benign (1); Likely benign (3). Last evaluated 2026-02-04.

Conditions:
Myopathy, lactic acidosis, and sideroblastic anemia 1 (MLASA1). Identifiers: Orphanet 2598, MedGen C4551958, MONDO:0024553, OMIM 600462.

Allele frequency attached by ClinVar (database versions not stated): gnomAD 0.00005; TOPMed 0.00008; ESP Exome Variant Server 0.00015.
gnomAD v4.1: 193 of 1,614,014 alleles (0.012%); highest among the groups gnomAD compares: Non-Finnish European, 0.014%; no homozygotes.

Submissions (5):

Labcorp Genetics (formerly Invitae), Labcorp
Classification: Likely benign. Last evaluated: 2026-02-04. Review status: criteria provided, single submitter. Criteria: Invitae Variant Classification Sherloc (09022015). Collection method: clinical testing. Allele origin: germline.

CeGaT Center for Human Genetics Tuebingen
Classification: Likely benign. Last evaluated: 2025-01-01. Review status: criteria provided, single submitter. Criteria: CeGaT Center For Human Genetics Tuebingen Variant Classification Criteria Version 2. Collection method: clinical testing. Allele origin: germline. Affected: yes. Observed: 2 variant alleles.
Comment: PUS1: BP4, BP7

Blueprint Genetics
Classification: Likely benign. Last evaluated: 2024-06-10. Review status: criteria provided, single submitter. Criteria: ACMG Guidelines, 2015. Collection method: clinical testing. Allele origin: germline.

Illumina Laboratory Services, Illumina
Classification: Uncertain significance for Myopathy, lactic acidosis, and sideroblastic anemia 1. Last evaluated: 2018-01-12. Review status: criteria provided, single submitter. Criteria: ICSL Variant Classification Criteria 13 December 2019. Collection method: clinical testing. Allele origin: germline.

GeneDx
Classification: Benign. Last evaluated: 2014-07-16. Review status: criteria provided, single submitter. Criteria: GeneDx Variant Classification (06012015). Collection method: clinical testing. Allele origin: germline. Affected: yes.
Comment: This variant is considered likely benign or benign based on one or more of the following criteria: it is a conservative change, it occurs at a poorly conserved position in the protein, it is predicted to be benign by multiple in silico algorithms, and/or has population frequency not consistent with disease.

NM_025215.6(PUS1):c.984G>A (p.Ala328=)

Gene: PUS1 (pseudouridine synthase 1; plus strand). Cytogenetic location: 12q24.33.
Variant type: single nucleotide variant.
Coding change: c.984G>A on transcript NM_025215.6 (MANE Select); coding-DNA position 984, G replaced by A.
Protein change: p.Ala328=; no amino-acid change (alanine 328 retained).
Molecular consequence: synonymous variant.
Genome position (GRCh38, 1-based): chr12:131,941,731, G>A. VCF-style: chr12-131941731-G-A. GRCh37 (hg19) VCF-style: chr12-132426276-G-A.
Other names: p.A328A:GCG>GCA; c.900G>A, p.Ala300= (NM_001002019.3, NM_001002020.3).
Identifiers: ClinVar variation 215038 (VCV000215038.39), dbSNP rs143660941, ClinGen allele CA324904.
Genomic context (GRCh38, chr12:131,941,731, plus strand): 5'-TGCCCCTGAGAGCGTGCTGGAGCGCAGCTGGGGCACAGAGAAGGTGGACGTGCCCAAGGC[G>A]CCCGGACTCGGCCTGGTCCTGGAGAGGGTGCACTTCGAGAAGTACAACCAGCGCTTTGGC-3'
Protein context (NP_079491.2, residues 318-338): WGTEKVDVPK[Ala328=]PGLGLVLERV